The following is an entry in ClinVar:

NM_001358530.2(MOCS1):c.1735G>A (p.Ala579Thr)

Gene: MOCS1 (molybdenum cofactor synthesis 1; minus strand). Cytogenetic location: 6p21.2.
Variant type: single nucleotide variant.
Coding change: c.1735G>A on transcript NM_001358530.2 (MANE Select); coding-DNA position 1735, G replaced by A.
Protein change: p.Ala579Thr; replaces alanine 579 with threonine.
Molecular consequence: missense variant. On other transcripts: 3 prime UTR variant (4), non-coding transcript variant (1).
Genome position (GRCh38, 1-based): chr6:39,906,533, C>T on the plus strand (G>A on the coding strand, the complement: MOCS1 is on the minus strand). VCF-style: chr6-39906533-C-T. GRCh37 (hg19) VCF-style: chr6-39874309-C-T.
Other names: c.*592G>A (NM_001075098.4, NM_001358533.2, NM_001358534.2 and 1 more transcripts); c.1687G>A, p.Ala563Thr (NM_001358529.2); c.1474G>A, p.Ala492Thr (NM_001358531.2); short protein forms A579T, A492T, A563T.
Identifiers: ClinVar variation 1439088 (VCV001439088.6), dbSNP rs1766956058, ClinGen allele CA364039082.
Genomic context (GRCh38, chr6:39,906,533, plus strand): 5'-CTGCAGCAGAGGTCAGGGCCTCCATCTCCACCCCGGTGGGGCCCCGAGCCCGGCAAGATG[C>T]CTGGATCTTCACGGCATGGCGTGTGCTGTCCAGCTCCAGCTGCACCTGGATGTGGCTCAG-3'
Protein context (NP_001345459.1, residues 569-589): DSTRHAVKIQ[Ala579Thr]SCRARGPTGV

ClinVar aggregate classification (germline): Uncertain significance (1 of 4 stars; one submission).

Conditions:
Sulfite oxidase deficiency due to molybdenum cofactor deficiency type A. Also called: Molybdenum Cofactor Deficiency A; Molybdenum cofactor deficiency, complementation group A. Identifiers: Orphanet 308386, Orphanet 833, MedGen C1854988, MONDO:0009643, OMIM 252150.

Allele frequency attached by ClinVar (database versions not stated): gnomAD 0.00001.
gnomAD v4.1: 1 of 1,613,808 alleles (0.000062%); highest among the groups gnomAD compares: Admixed American, 0.0017%; no homozygotes.

Submission:

Labcorp Genetics (formerly Invitae), Labcorp
Classification: Uncertain significance for Sulfite oxidase deficiency due to molybdenum cofactor deficiency type A. Last evaluated: 2021-12-20. Review status: criteria provided, single submitter. Criteria: Invitae Variant Classification Sherloc (09022015). Collection method: clinical testing. Allele origin: germline.
Comment: In summary, the available evidence is currently insufficient to determine the role of this variant in disease. Therefore, it has been classified as a Variant of Uncertain Significance. Algorithms developed to predict the effect of missense changes on protein structure and function are either unavailable or do not agree on the potential impact of this missense change (SIFT: "Not Available"; PolyPhen-2: "Possibly Damaging"; Align-GVGD: "Not Available"). This variant has not been reported in the literature in individuals affected with MOCS1-related conditions. This variant is not present in population databases (gnomAD no frequency). This sequence change replaces alanine, which is neutral and non-polar, with threonine, which is neutral and polar, at codon 579 of the MOCS1 protein (p.Ala579Thr).